The following is an entry in ClinVar:

ClinVar aggregate classification (germline): Pathogenic. Review status: criteria provided, multiple submitters, no conflicts (2 of 4 stars). 3 submissions from 3 submitters: Pathogenic (3). Last evaluated 2024-04-19.

Conditions:
Nonsyndromic congenital nail disorder 8. Also called: TOENAIL DYSTROPHY, ISOLATED. Identifiers: MedGen C1843761, MONDO:0011852, OMIM 607523.
Epidermolysis bullosa pruriginosa. Also called: DEB, PRURIGINOSA; DYSTROPHIC EPIDERMOLYSIS BULLOSA PRURIGINOSA. Identifiers: Orphanet 89843, MedGen C1275114, MONDO:0011398, OMIM 604129.
Recessive dystrophic epidermolysis bullosa (RDEB). Also called: epidermolysis bullosa dystrophica, autosomal recessive; Recessive DEB (RDEB); Hallopeau-Siemens Disease; DYSTROPHIC EPIDERMOLYSIS BULLOSA, AUTOSOMAL RECESSIVE; EPIDERMOLYSIS BULLOSA DYSTROPHICA, HALLOPEAU-SIEMENS TYPE; EPIDERMOLYSIS BULLOSA DYSTROPHICA, GENERALIZED SEVERE, AUTOSOMAL RECESSIVE. Identifiers: Orphanet 79408, Orphanet 79409, MedGen C0079474, MONDO:0009179, OMIM 226600.
Dominant dystrophic epidermolysis bullosa with absence of skin. Also called: EPIDERMOLYSIS BULLOSA WITH CONGENITAL LOCALIZED ABSENCE OF SKIN AND DEFORMITY OF NAILS; EPIDERMOLYSIS BULLOSA DYSTROPHICA, BART TYPE. Identifiers: MedGen C0268371, MONDO:0007557, OMIM 132000.
Transient bullous dermolysis of the newborn (TBDN). Also called: EPIDERMOLYSIS BULLOSA DYSTROPHICA, NEONATAL FORM; DYSTROPHIC EPIDERMOLYSIS BULLOSA, NEONATAL. Identifiers: Orphanet 79411, MedGen C1851573, MONDO:0007548, OMIM 131705.
Pretibial dystrophic epidermolysis bullosa. Also called: Pretibial epidermolysis bullosa; EPIDERMOLYSIS BULLOSA DYSTROPHICA, PRETIBIAL; Pretibial blistering. Identifiers: Orphanet 79410, MedGen C0432321, MONDO:0007552, OMIM 131850, HP:0012221.
Generalized dominant dystrophic epidermolysis bullosa (DDEB). Also called: Dominant DEB (DDEB); DDEB, generalized; DDEB-gen; DYSTROPHIC EPIDERMOLYSIS BULLOSA, AUTOSOMAL DOMINANT; Epidermolysis bullosa dystrophica, autosomal dominant. Identifiers: Orphanet 231568, MedGen C0432322, MONDO:0007549, OMIM 131750.

Submissions (3):

Myriad Genetics, Inc.
Classification: Pathogenic for Recessive dystrophic epidermolysis bullosa. Last evaluated: 2024-04-19. Review status: criteria provided, single submitter. Criteria: Myriad Autosomal Dominant, Autosomal Recessive and X-Linked Classification Criteria (2023). Collection method: clinical testing. Allele origin: unknown.
Comment: NM_000094.3(COL7A1):c.8093delG(G2698Afs*88) is expected to be pathogenic in the context of dystrophic epidermolysis bullosa. This variant is predicted to lead to an abnormal or absent protein product due to the creation of a premature termination codon in COL7A1, a gene where loss-of-function variants are known to be pathogenic. Please note: this variant was assessed in the context of healthy population screening.

Labcorp Genetics (formerly Invitae), Labcorp
Classification: Pathogenic. Last evaluated: 2024-02-23. Review status: criteria provided, single submitter. Criteria: Invitae Variant Classification Sherloc (09022015). Collection method: clinical testing. Allele origin: germline.
Comment: This sequence change creates a premature translational stop signal (p.Gly2698Alafs*88) in the COL7A1 gene. It is expected to result in an absent or disrupted protein product. Loss-of-function variants in COL7A1 are known to be pathogenic (PMID: 16971478). This variant is present in population databases (no rsID available, gnomAD 0.0009%). This premature translational stop signal has been observed in individual(s) with autosomal recessive COL7A1-related conditions (PMID: 9740253). This variant is also known as 8091delG. For these reasons, this variant has been classified as Pathogenic.

Fulgent Genetics
Classification: Pathogenic for Transient bullous dermolysis of the newborn; Generalized dominant dystrophic epidermolysis bullosa; Pretibial dystrophic epidermolysis bullosa; Dominant dystrophic epidermolysis bullosa with absence of skin; Recessive dystrophic epidermolysis bullosa; Epidermolysis bullosa pruriginosa; Nonsyndromic congenital nail disorder 8. Last evaluated: 2024-01-05. Review status: criteria provided, single submitter. Criteria: ACMG Guidelines, 2015. Collection method: clinical testing. Allele origin: germline.

Literature cited by the submitters: PubMed 16971478 (cited by Labcorp Genetics (formerly Invitae), Labcorp); PubMed 9740253 (cited by Labcorp Genetics (formerly Invitae), Labcorp).

NM_000094.4(COL7A1):c.8093del (p.Gly2698fs)

Gene: COL7A1 (collagen type VII alpha 1 chain; minus strand). Cytogenetic location: 3p21.31.
Variant type: Deletion.
Coding change: c.8093del on transcript NM_000094.4 (MANE Select); coding-DNA position 8093, one base deleted (G; older notation c.8093delG).
Protein change: p.Gly2698fs; shifts the reading frame from glycine 2698.
Molecular consequence: frameshift variant.
Genome position (GRCh38, 1-based): chr3:48,567,144, C deleted on the plus strand (G on the coding strand, the reverse complement: COL7A1 is on the minus strand); the first of 3 consecutive C bases (chr3:48,567,144-48,567,146); deleting any one gives the same sequence. VCF-style (leftmost placement, unchanged base first): chr3-48567143-GC-G. GRCh37 (hg19) VCF-style: chr3-48604576-GC-G.
Other names: short protein forms G2698fs.
Identifiers: ClinVar variation 3589241 (VCV003589241.4).
Genomic context (GRCh38, chr3:48,567,143, plus strand): 5'-AGTGCACGCTCCCCTCAATTCACCATGACCATGGCTTCAACTCACCCGCTCCCCTTTCTC[GC>G]CCTGGTCACCCTTGGGGCCTGGCTGCCCGTCAAAGCCTCGGTCACCCTGGGAACAGAAGA-3'